The following is an entry in ClinVar:

NM_000081.4(LYST):c.1716G>C (p.Gln572His)

Gene: LYST (lysosomal trafficking regulator; minus strand). Cytogenetic location: 1q42.3.
Variant type: single nucleotide variant.
Coding change: c.1716G>C on transcript NM_000081.4 (MANE Select); coding-DNA position 1716, G replaced by C.
Protein change: p.Gln572His; replaces glutamine 572 with histidine.
Molecular consequence: missense variant.
Genome position (GRCh38, 1-based): chr1:235,809,102, C>G on the plus strand (G>C on the coding strand, the complement: LYST is on the minus strand). VCF-style: chr1-235809102-C-G. GRCh37 (hg19) VCF-style: chr1-235972402-C-G.
Other names: p.Gln572His; c.1716G>C, p.Gln572His (NM_001301365.1); short protein forms Q572H.
Identifiers: ClinVar variation 1357850 (VCV001357850.4), dbSNP rs143389299, ClinGen allele CA1467416.

ClinVar aggregate classification (germline): Uncertain significance. Review status: criteria provided, multiple submitters, no conflicts (2 of 4 stars). 2 submissions from 2 submitters: Uncertain significance (2). Last evaluated 2024-01-31.

Conditions:
Chédiak-Higashi syndrome (CHS). Also called: Chediak-Higashi Syndrome. Identifiers: Orphanet 167, MedGen C0007965, MONDO:0008963, OMIM 214500.

Allele frequency attached by ClinVar (database versions not stated): gnomAD 0.00001; TOPMed 0.00002; ESP Exome Variant Server 0.00008.
gnomAD v4.1: 4 of 1,614,020 alleles (0.00025%); highest among the groups gnomAD compares: Admixed American, 0.0033%; no homozygotes.

Submissions (2):

Mayo Clinic Laboratories, Mayo Clinic
Classification: Uncertain significance. Last evaluated: 2024-01-31. Review status: criteria provided, single submitter. Criteria: ACMG Guidelines, 2015. Collection method: clinical testing. Allele origin: germline. Observed: 1 variant allele.
Comment: BP4

Labcorp Genetics (formerly Invitae), Labcorp
Classification: Uncertain significance for Chédiak-Higashi syndrome. Last evaluated: 2022-07-13. Review status: criteria provided, single submitter. Criteria: Invitae Variant Classification Sherloc (09022015). Collection method: clinical testing. Allele origin: germline.
Comment: This sequence change replaces glutamine, which is neutral and polar, with histidine, which is basic and polar, at codon 572 of the LYST protein (p.Gln572His). This variant is present in population databases (rs143389299, gnomAD 0.007%). This variant has not been reported in the literature in individuals affected with LYST-related conditions. ClinVar contains an entry for this variant (Variation ID: 1357850). Algorithms developed to predict the effect of missense changes on protein structure and function output the following: SIFT: "Deleterious"; PolyPhen-2: "Benign"; Align-GVGD: "Class C0". The histidine amino acid residue is found in multiple mammalian species, which suggests that this missense change does not adversely affect protein function. In summary, the available evidence is currently insufficient to determine the role of this variant in disease. Therefore, it has been classified as a Variant of Uncertain Significance.